The following is an entry in ClinVar:

ClinVar aggregate classification (germline): Uncertain significance (1 of 4 stars; one submission).

Allele frequency attached by ClinVar (database versions not stated): TOPMed below 0.00001.

Submission:

Labcorp Genetics (formerly Invitae), Labcorp
Classification: Uncertain significance. Last evaluated: 2024-11-11. Review status: criteria provided, single submitter. Criteria: Invitae Variant Classification Sherloc (09022015). Collection method: clinical testing. Allele origin: germline.
Comment: This sequence change replaces alanine, which is neutral and non-polar, with threonine, which is neutral and polar, at codon 310 of the COPB2 protein (p.Ala310Thr). This variant is not present in population databases (gnomAD no frequency). This variant has not been reported in the literature in individuals affected with COPB2-related conditions. ClinVar contains an entry for this variant (Variation ID: 1441317). An algorithm developed to predict the effect of missense changes on protein structure and function (PolyPhen-2) suggests that this variant is likely to be tolerated. In summary, the available evidence is currently insufficient to determine the role of this variant in disease. Therefore, it has been classified as a Variant of Uncertain Significance.

NM_004766.3(COPB2):c.928G>A (p.Ala310Thr)

Gene: COPB2 (coat protein complex I subunit beta 2; minus strand). Cytogenetic location: 3q23.
Variant type: single nucleotide variant.
Coding change: c.928G>A on transcript NM_004766.3 (MANE Select); coding-DNA position 928, G replaced by A.
Protein change: p.Ala310Thr; replaces alanine 310 with threonine.
Molecular consequence: missense variant. On other transcripts: non-coding transcript variant (1).
Genome position (GRCh38, 1-based): chr3:139,373,379, C>T on the plus strand (G>A on the coding strand, the complement: COPB2 is on the minus strand). VCF-style: chr3-139373379-C-T. GRCh37 (hg19) VCF-style: chr3-139092221-C-T.
Other names: short protein forms A310T.
Identifiers: ClinVar variation 1441317 (VCV001441317.6), dbSNP rs1326979199, ClinGen allele CA354757381.